The following is an entry in ClinVar:

ClinVar aggregate classification (germline): Benign/Likely benign. Review status: criteria provided, multiple submitters, no conflicts (2 of 4 stars). 2 submissions from 2 submitters: Benign (1); Likely benign (1). Last evaluated 2024-03-28.

Conditions:
Hereditary cancer-predisposing syndrome. Also called: Hereditary neoplastic syndrome; Hereditary Cancer Syndrome; Neoplastic Syndromes, Hereditary; Tumor predisposition. Identifiers: Orphanet 140162, MedGen C0027672, MeSH D009386, MONDO:0015356.
Familial adenomatous polyposis 1 (FAP1). Also called: POLYPOSIS, ADENOMATOUS INTESTINAL; FAMILIAL ADENOMATOUS POLYPOSIS 1, ATTENUATED. Identifiers: MedGen C2713442, MONDO:0021056, OMIM 175100. Disease mechanism: loss of function.

Allele frequency attached by ClinVar (database versions not stated): gnomAD exomes below 0.00001.

Submissions (2):

Myriad Genetics, Inc.
Classification: Benign for Familial adenomatous polyposis 1. Last evaluated: 2024-03-28. Review status: criteria provided, single submitter. Criteria: Myriad Autosomal Dominant, Autosomal Recessive and X-Linked Classification Criteria (2023). Collection method: clinical testing. Allele origin: unknown.
Comment: This variant is considered benign. This variant is a silent/synonymous amino acid change and it is not expected to impact splicing.

Ambry Genetics
Classification: Likely benign for Hereditary cancer-predisposing syndrome. Last evaluated: 2023-04-16. Review status: criteria provided, single submitter. Criteria: Ambry Variant Classification Scheme 2023. Collection method: clinical testing. Allele origin: germline.

NM_000038.6(APC):c.4995T>G (p.Pro1665=)

Gene: APC (APC regulator of Wnt signaling pathway; plus strand). Cytogenetic location: 5q22.2.
Variant type: single nucleotide variant.
Coding change: c.4995T>G on transcript NM_000038.6 (MANE Select); coding-DNA position 4995, T replaced by G.
Protein change: p.Pro1665=; no amino-acid change (proline 1665 retained).
Molecular consequence: synonymous variant. On other transcripts: non-coding transcript variant (2).
Genome position (GRCh38, 1-based): chr5:112,840,589, T>G. VCF-style: chr5-112840589-T-G. GRCh37 (hg19) VCF-style: chr5-112176286-T-G.
Other names: c.4995T>G, p.Pro1665= (NM_001127510.3, NM_001354895.2, NM_001407450.1); c.4941T>G, p.Pro1647= (NM_001127511.3); c.5049T>G, p.Pro1683= (NM_001354896.2, NM_001407447.1, NM_001407448.1 and 1 more transcripts); c.5025T>G, p.Pro1675= (NM_001354897.2); c.4920T>G, p.Pro1640= (NM_001354898.2); c.4911T>G, p.Pro1637= (NM_001354899.2); c.4872T>G, p.Pro1624= (NM_001354900.2); c.4818T>G, p.Pro1606= (NM_001354901.2, NM_001407453.1); and 11 more.
Identifiers: ClinVar variation 2566966 (VCV002566966.2), dbSNP rs2533613615, ClinGen allele CA446208747.